The following is an entry in ClinVar:

NM_000489.6(ATRX):c.346A>G (p.Ile116Val)

Gene: ATRX (ATRX chromatin remodeler; minus strand). Cytogenetic location: Xq21.1.
Variant type: single nucleotide variant.
Coding change: c.346A>G on transcript NM_000489.6 (MANE Select); coding-DNA position 346, A replaced by G.
Protein change: p.Ile116Val; replaces isoleucine 116 with valine.
Molecular consequence: missense variant.
Genome position (GRCh38, 1-based): chrX:77,696,601, T>C on the plus strand (A>G on the coding strand, the complement: ATRX is on the minus strand). VCF-style: chrX-77696601-T-C. GRCh37 (hg19) VCF-style: chrX-76952089-T-C.
Other names: c.346A>G, p.Ile116Val (NM_138270.5); short protein forms I116V.
Identifiers: ClinVar variation 1896780 (VCV001896780.5), dbSNP rs2072198606, ClinGen allele CA413723786.

ClinVar aggregate classification (germline): Uncertain significance. Review status: criteria provided, multiple submitters, no conflicts (2 of 4 stars). 2 submissions from 2 submitters: Uncertain significance (2). Last evaluated 2025-05-27.

Conditions:
ATR-X-related syndrome. Identifiers: MedGen CN257940, MONDO:0016980.
Alpha thalassemia-X-linked intellectual disability syndrome (ATRX). Also called: ATR, NONDELETION TYPE; ATR-X syndrome; Alpha thalassemia mental retardation syndrome, nondeletion type, X-linked; XLMR hypotonic face syndrome; ALPHA-THALASSEMIA/MENTAL RETARDATION SYNDROME, X-LINKED; X-linked alpha-thalassemia-mental retardation syndrome. Identifiers: Orphanet 847, MedGen C1845055, MONDO:0010519, OMIM 301040.

Allele frequency attached by ClinVar (database versions not stated): gnomAD exomes below 0.00001.
gnomAD v4.1: 5 of 1,206,946 alleles (0.00041%); highest among the groups gnomAD compares: Middle Eastern, 0.023%; no homozygotes.

Submissions (2):

Labcorp Genetics (formerly Invitae), Labcorp
Classification: Uncertain significance for Alpha thalassemia-X-linked intellectual disability syndrome. Last evaluated: 2025-05-27. Review status: criteria provided, single submitter. Criteria: Invitae Variant Classification Sherloc (09022015). Collection method: clinical testing. Allele origin: germline.
Comment: This sequence change replaces isoleucine, which is neutral and non-polar, with valine, which is neutral and non-polar, at codon 116 of the ATRX protein (p.Ile116Val). This variant is not present in population databases (gnomAD no frequency). This variant has not been reported in the literature in individuals affected with ATRX-related conditions. ClinVar contains an entry for this variant (Variation ID: 1896780). Invitae Evidence Modeling of protein sequence and biophysical properties (such as structural, functional, and spatial information, amino acid conservation, physicochemical variation, residue mobility, and thermodynamic stability) indicates that this missense variant is not expected to disrupt ATRX protein function with a negative predictive value of 95%. In summary, the available evidence is currently insufficient to determine the role of this variant in disease. Therefore, it has been classified as a Variant of Uncertain Significance.

Department of Pathology and Laboratory Medicine, Sinai Health System
Classification: Uncertain significance for ATR-X-related syndrome. Last evaluated: 2022-07-29. Review status: criteria provided, single submitter. Criteria: ACMG Guidelines, 2015. Collection method: research. Allele origin: germline.